The following is an entry in ClinVar:

ClinVar aggregate classification (germline): Uncertain significance. Review status: criteria provided, multiple submitters, no conflicts (2 of 4 stars). 3 submissions from 3 submitters: Uncertain significance (3). Last evaluated 2025-08-18.

Conditions:
Hereditary cancer-predisposing syndrome. Also called: Hereditary neoplastic syndrome; Neoplastic Syndromes, Hereditary; Tumor predisposition; Hereditary Cancer Syndrome. Identifiers: Orphanet 140162, MedGen C0027672, MeSH D009386, MONDO:0015356.
Neuroblastoma, susceptibility to, 3. Also called: ALK-Related Neuroblastic Tumor Susceptibility. Identifiers: Orphanet 635, MedGen C2751681, MONDO:0013083, OMIM 613014.

Allele frequency attached by ClinVar (database versions not stated): gnomAD exomes below 0.00001.
gnomAD v4.1: 2 of 1,613,850 alleles (0.00012%); highest among the groups gnomAD compares: Non-Finnish European, 0.000085%; no homozygotes.

Submissions (3):

Labcorp Genetics (formerly Invitae), Labcorp
Classification: Uncertain significance for Neuroblastoma, susceptibility to, 3. Last evaluated: 2025-08-18. Review status: criteria provided, single submitter. Criteria: Invitae Variant Classification Sherloc (09022015). Collection method: clinical testing. Allele origin: germline.
Comment: This sequence change replaces alanine, which is neutral and non-polar, with threonine, which is neutral and polar, at codon 942 of the ALK protein (p.Ala942Thr). This variant is not present in population databases (gnomAD no frequency). This variant has not been reported in the literature in individuals affected with ALK-related conditions. ClinVar contains an entry for this variant (Variation ID: 1022860). An algorithm developed to predict the effect of missense changes on protein structure and function (PolyPhen-2) suggests that this variant is likely to be tolerated. In summary, the available evidence is currently insufficient to determine the role of this variant in disease. Therefore, it has been classified as a Variant of Uncertain Significance.

Ambry Genetics
Classification: Uncertain significance for Hereditary cancer-predisposing syndrome. Last evaluated: 2025-07-03. Review status: criteria provided, single submitter. Criteria: Ambry Variant Classification Scheme 2023. Collection method: clinical testing. Allele origin: germline.
Comment: The p.A942T variant (also known as c.2824G>A), located in coding exon 17 of the ALK gene, results from a G to A substitution at nucleotide position 2824. The alanine at codon 942 is replaced by threonine, an amino acid with similar properties. This amino acid position is conserved. In addition, this alteration is predicted to be tolerated by in silico analysis. Since supporting evidence is limited at this time, the clinical significance of this alteration remains unclear.

GeneDx
Classification: Uncertain significance. Last evaluated: 2023-01-26. Review status: criteria provided, single submitter. Criteria: GeneDx Variant Classification Process June 2021. Collection method: clinical testing. Allele origin: germline. Affected: yes.
Comment: Not observed at significant frequency in large population cohorts (gnomAD); In silico analysis supports that this missense variant does not alter protein structure/function; Has not been previously published as pathogenic or benign to our knowledge

NM_004304.5(ALK):c.2824G>A (p.Ala942Thr)

Gene: ALK (ALK receptor tyrosine kinase; minus strand). Cytogenetic location: 2p23.2.
Variant type: single nucleotide variant.
Coding change: c.2824G>A on transcript NM_004304.5 (MANE Select); coding-DNA position 2824, G replaced by A.
Protein change: p.Ala942Thr; replaces alanine 942 with threonine.
Molecular consequence: missense variant.
Genome position (GRCh38, 1-based): chr2:29,227,664, C>T on the plus strand (G>A on the coding strand, the complement: ALK is on the minus strand). VCF-style: chr2-29227664-C-T. GRCh37 (hg19) VCF-style: chr2-29450530-C-T.
Other names: c.2824G>A (NM_004304.4); short protein forms A942T.
Identifiers: ClinVar variation 1022860 (VCV001022860.12), dbSNP rs1664046731, ClinGen allele CA346468917.